The following is an entry in ClinVar:

NM_001098511.3(KIF2A):c.509G>A (p.Arg170Gln)

Gene: KIF2A (kinesin family member 2A; plus strand). Cytogenetic location: 5q12.1.
Variant type: single nucleotide variant.
Coding change: c.509G>A on transcript NM_001098511.3 (MANE Select); coding-DNA position 509, G replaced by A.
Protein change: p.Arg170Gln; replaces arginine 170 with glutamine.
Molecular consequence: missense variant.
Genome position (GRCh38, 1-based): chr5:62,353,326, G>A. VCF-style: chr5-62353326-G-A. GRCh37 (hg19) VCF-style: chr5-61649153-G-A.
Other names: c.428G>A, p.Arg143Gln (NM_001243952.2); c.452G>A, p.Arg151Gln (NM_001243953.2); c.509G>A, p.Arg170Gln (NM_004520.5); short protein forms R151Q, R143Q, R170Q.
Identifiers: ClinVar variation 3667838 (VCV003667838.2).

ClinVar aggregate classification (germline): Uncertain significance (1 of 4 stars; one submission).

gnomAD v4.1: 1 of 1,580,758 alleles (0.000063%); highest among the groups gnomAD compares: East Asian, 0.0023%; no homozygotes.

Submission:

Labcorp Genetics (formerly Invitae), Labcorp
Classification: Uncertain significance. Last evaluated: 2024-12-24. Review status: criteria provided, single submitter. Criteria: Invitae Variant Classification Sherloc (09022015). Collection method: clinical testing. Allele origin: germline.
Comment: This sequence change replaces arginine, which is basic and polar, with glutamine, which is neutral and polar, at codon 170 of the KIF2A protein (p.Arg170Gln). This variant is not present in population databases (gnomAD no frequency). This variant has not been reported in the literature in individuals affected with KIF2A-related conditions. An algorithm developed to predict the effect of missense changes on protein structure and function (PolyPhen-2) suggests that this variant is likely to be disruptive. In summary, the available evidence is currently insufficient to determine the role of this variant in disease. Therefore, it has been classified as a Variant of Uncertain Significance.